The following is an entry in ClinVar:

NM_015141.4(GPD1L):c.262G>A (p.Ala88Thr)

Gene: GPD1L (glycerol-3-phosphate dehydrogenase 1 like; plus strand). Cytogenetic location: 3p22.3.
Variant type: single nucleotide variant.
Coding change: c.262G>A on transcript NM_015141.4 (MANE Select); coding-DNA position 262, G replaced by A.
Protein change: p.Ala88Thr; replaces alanine 88 with threonine.
Molecular consequence: missense variant.
Genome position (GRCh38, 1-based): chr3:32,138,623, G>A. VCF-style: chr3-32138623-G-A. GRCh37 (hg19) VCF-style: chr3-32180115-G-A.
Other names: short protein forms A88T.
Identifiers: ClinVar variation 999910 (VCV000999910.5), dbSNP rs1700699304, ClinGen allele CA351974192.
Genomic context (GRCh38, chr3:32,138,623, plus strand): 5'-GTCTTCTCTGCCTTTTGGTTGCAGGTTGCCATGTCAAATCTTAGCGAGGCTGTGCAGGAT[G>A]CAGACCTGCTGGTGTTTGTCATTCCCCACCAGTTCATTCACAGAATCTGTGATGAGATCA-3'
Protein context (NP_055956.1, residues 78-98): MSNLSEAVQD[Ala88Thr]DLLVFVIPHQ

ClinVar aggregate classification (germline): Uncertain significance (1 of 4 stars; one submission).

Conditions:
Brugada syndrome. Also called: Sudden unexpected nocturnal death syndrome; Sudden Unexplained Death Syndrome; Sudden Unexplained Nocturnal Death Syndrome (SUNDS); Sudden unexplained nocturnal death syndrome. Identifiers: Orphanet 130, MedGen C1142166, MONDO:0015263.

Allele frequency attached by ClinVar (database versions not stated): gnomAD exomes below 0.00001.
gnomAD v4.1: 1 of 1,613,886 alleles (0.000062%); highest among the groups gnomAD compares: African/African-American, 0.0013%; no homozygotes.

Submission:

Labcorp Genetics (formerly Invitae), Labcorp
Classification: Uncertain significance for Brugada syndrome. Last evaluated: 2020-09-10. Review status: criteria provided, single submitter. Criteria: Invitae Variant Classification Sherloc (09022015). Collection method: clinical testing. Allele origin: germline.
Comment: In summary, the available evidence is currently insufficient to determine the role of this variant in disease. Therefore, it has been classified as a Variant of Uncertain Significance. Algorithms developed to predict the effect of missense changes on protein structure and function (SIFT, PolyPhen-2, Align-GVGD) all suggest that this variant is likely to be tolerated, but these predictions have not been confirmed by published functional studies and their clinical significance is uncertain. This variant has not been reported in the literature in individuals with GPD1L-related conditions. This variant is not present in population databases (ExAC no frequency). This sequence change replaces alanine with threonine at codon 88 of the GPD1L protein (p.Ala88Thr). The alanine residue is highly conserved and there is a small physicochemical difference between alanine and threonine.